The following is an entry in ClinVar:

ClinVar aggregate classification (germline): Uncertain significance. Review status: criteria provided, multiple submitters, no conflicts (2 of 4 stars). 2 submissions from 2 submitters: Uncertain significance (2). Last evaluated 2025-06-06.

Conditions:
Charcot-Marie-Tooth disease axonal type 2P. Also called: Charcot-Marie-Tooth Neuropathy Type 2G; CHARCOT-MARIE-TOOTH DISEASE, AXONAL, TYPE 2G; CMT 2G; CHARCOT-MARIE-TOOTH NEUROPATHY, TYPE 2P. Identifiers: Orphanet 300319, Orphanet 99941, MedGen C3280797, MONDO:0013753, OMIM 614436.
Inborn genetic diseases. Identifiers: MedGen C0950123, MeSH D030342.

Submissions (2):

Ambry Genetics
Classification: Uncertain significance for Inborn genetic diseases. Last evaluated: 2025-06-06. Review status: criteria provided, single submitter. Criteria: Ambry Variant Classification Scheme 2023. Collection method: clinical testing. Allele origin: germline.

Labcorp Genetics (formerly Invitae), Labcorp
Classification: Uncertain significance for Charcot-Marie-Tooth disease axonal type 2P. Last evaluated: 2018-10-01. Review status: criteria provided, single submitter. Criteria: Invitae Variant Classification Sherloc (09022015). Collection method: clinical testing. Allele origin: germline.
Comment: Algorithms developed to predict the effect of missense changes on protein structure and function are either unavailable or do not agree on the potential impact of this missense change (SIFT: "Tolerated"; PolyPhen-2: "Possibly Damaging"; Align-GVGD: "Class C0"). In summary, the available evidence is currently insufficient to determine the role of this variant in disease. Therefore, it has been classified as a Variant of Uncertain Significance. This variant has not been reported in the literature in individuals with LRSAM1-related disease. This sequence change replaces glutamine with lysine at codon 128 of the LRSAM1 protein (p.Gln128Lys). The glutamine residue is highly conserved and there is a small physicochemical difference between glutamine and lysine. This variant is not present in population databases (ExAC no frequency).

NM_001005373.4(LRSAM1):c.382C>A (p.Gln128Lys)

Gene: LRSAM1 (leucine rich repeat and sterile alpha motif containing 1; plus strand). Cytogenetic location: 9q33.3.
Variant type: single nucleotide variant.
Coding change: c.382C>A on transcript NM_001005373.4 (MANE Select); coding-DNA position 382, C replaced by A.
Protein change: p.Gln128Lys; replaces glutamine 128 with lysine.
Molecular consequence: missense variant. On other transcripts: 5 prime UTR variant (1), non-coding transcript variant (2).
Genome position (GRCh38, 1-based): chr9:127,461,233, C>A. VCF-style: chr9-127461233-C-A. GRCh37 (hg19) VCF-style: chr9-130223512-C-A.
Other names: c.382C>A (NM_138361.4); c.382C>A, p.Gln128Lys (NM_001005374.4, NM_001190723.3, NM_001384142.1 and 2 more transcripts); c.-403C>A (NM_001384144.1); short protein forms Q128K.
Identifiers: ClinVar variation 656965 (VCV000656965.9), dbSNP rs1168470052, ClinGen allele CA374968094.